The following is an entry in ClinVar:

NM_001130987.2(DYSF):c.526T>G (p.Ser176Ala)

Gene: DYSF (dysferlin; plus strand). Cytogenetic location: 2p13.2.
Variant type: single nucleotide variant.
Coding change: c.526T>G on transcript NM_001130987.2 (MANE Select); coding-DNA position 526, T replaced by G.
Protein change: p.Ser176Ala; replaces serine 176 with alanine.
Molecular consequence: missense variant. On other transcripts: intron variant (8).
Genome position (GRCh38, 1-based): chr2:71,513,305, T>G. VCF-style: chr2-71513305-T-G. GRCh37 (hg19) VCF-style: chr2-71740435-T-G.
Other names: c.523T>G, p.Ser175Ala (NM_001130979.2, NM_001130980.2, NM_001130981.2); c.526T>G, p.Ser176Ala (NM_001130982.2, NM_001130985.2); c.458-411T>G (NM_001130978.2, NM_003494.4, NM_001130977.2 and 1 more transcripts); c.461-411T>G (NM_001130983.2, NM_001130455.2, NM_001130984.2 and 1 more transcripts); short protein forms S175A, S176A.
Identifiers: ClinVar variation 2429196 (VCV002429196.3), dbSNP rs1310930625, ClinGen allele CA347205766.
Genomic context (GRCh38, chr2:71,513,305, plus strand): 5'-GGACAGAGCCGGGCCGAGACTTGGTCCCTGCTCAGTGACAGCACCATGGACACGAGATAC[T>G]CTGGAAAGAAGTGGCCGGCCCCCACGGGTGAGACACGGGCCAGGACTGTCCTGATCCCAG-3'
Protein context (NP_001124459.1, residues 166-186): LSDSTMDTRY[Ser176Ala]GKKWPAPTDT

ClinVar aggregate classification (germline): Uncertain significance (1 of 4 stars; one submission).

Allele frequency attached by ClinVar (database versions not stated): gnomAD exomes below 0.00001; gnomAD 0.00001; TOPMed 0.00004.
gnomAD v4.1: 2 of 1,551,398 alleles (0.00013%); highest among the groups gnomAD compares: Admixed American, 0.002%; no homozygotes.

Submission:

Women's Health and Genetics/Laboratory Corporation of America, LabCorp
Classification: Uncertain significance. Last evaluated: 2023-01-16. Review status: criteria provided, single submitter. Criteria: LabCorp Variant Classification Summary - May 2015. Collection method: clinical testing. Allele origin: germline.
Comment: Variant summary: DYSF c.458-411T>G is located at a position not widely known to affect splicing. 4/4 computational tools predict no significant impact on normal splicing. However, these predictions have yet to be confirmed by functional studies. The variant allele was found at a frequency of 6.6e-06 in 150796 control chromosomes (gnomAD v3.1.2). The available data on variant occurrences in the general population are insufficient to allow any conclusion about variant significance. To our knowledge, no occurrence of c.458-411T>G in individuals affected with Limb-Girdle Muscular Dystrophy, Autosomal Recessive and no experimental evidence demonstrating its impact on protein function have been reported. No clinical diagnostic laboratories have submitted clinical-significance assessments for this variant to ClinVar after 2014. Based on the evidence outlined above, the variant was classified as VUS-possibly benign.